The following is an entry in ClinVar:

NM_000257.4(MYH7):c.1814T>C (p.Val605Ala)

Gene: MYH7 (myosin heavy chain 7; minus strand). Cytogenetic location: 14q11.2.
Variant type: single nucleotide variant.
Coding change: c.1814T>C on transcript NM_000257.4 (MANE Select); coding-DNA position 1814, T replaced by C.
Protein change: p.Val605Ala; replaces valine 605 with alanine.
Molecular consequence: missense variant.
Genome position (GRCh38, 1-based): chr14:23,427,659, A>G on the plus strand (T>C on the coding strand, the complement: MYH7 is on the minus strand). VCF-style: chr14-23427659-A-G. GRCh37 (hg19) VCF-style: chr14-23896868-A-G.
Other names: c.1814T>C, p.Val605Ala (NM_001407004.1); short protein forms V605A.
Identifiers: ClinVar variation 5037772 (VCV005037772.1).

ClinVar aggregate classification (germline): VUS-high (1 of 4 stars; one submission).

Conditions:
Dilated cardiomyopathy 1S (CMD1S). Identifiers: Orphanet 154, Orphanet 54260, MedGen C1834481, MONDO:0013262, OMIM 613426.

Submission:

Center for Molecular Medicine, Children’s Hospital of Fudan University
Classification: VUS-high for Dilated cardiomyopathy 1S. Last evaluated: 2025-12-12. Review status: criteria provided, single submitter. Criteria: ACMG Guidelines 2015. Collection method: clinical testing. Allele origin: paternal. Affected: yes.
Comment: PM1+PM2